The following is an entry in ClinVar:

ClinVar aggregate classification (germline): Uncertain significance (1 of 4 stars; one submission).

Submission:

GeneDx
Classification: Uncertain significance. Last evaluated: 2024-03-07. Review status: criteria provided, single submitter. Criteria: GeneDx Variant Classification Process June 2021. Collection method: clinical testing. Allele origin: germline. Affected: yes.
Comment: Has not been previously published as pathogenic or benign to our knowledge; Not observed at significant frequency in large population cohorts (gnomAD); In silico analysis supports that this missense variant does not alter protein structure/function

NM_001308093.3(GATA4):c.670A>T (p.Met224Leu)

Gene: GATA4 (GATA binding protein 4). Cytogenetic location: 8p23.1.
Variant type: single nucleotide variant.
Coding change: c.670A>T on transcript NM_001308093.3 (MANE Select); coding-DNA position 670, A replaced by T.
Protein change: p.Met224Leu; replaces methionine 224 with leucine.
Molecular consequence: missense variant.
Genome position (GRCh38, 1-based): chr8:11,748,969, A>T. VCF-style: chr8-11748969-A-T. GRCh37 (hg19) VCF-style: chr8-11606478-A-T.
Other names: c.49A>T, p.Met17Leu (NM_001308094.2, NM_001374273.1, NM_001374274.1); c.667A>T, p.Met223Leu (NM_002052.5); short protein forms M17L, M223L, M224L.
Identifiers: ClinVar variation 3370608 (VCV003370608.1).
Genomic context (GRCh38, chr8:11,748,969, plus strand): 5'-AACTCAGTAGATATGTTTGACGACTTCTCAGAAGGCAGAGAGTGTGTCAACTGTGGGGCT[A>T]TGTCCACCCCGCTCTGGAGGCGAGATGGGACGGGTCACTATCTGTGCAACGCCTGCGGCC-3'
Protein context (NP_001295022.1, residues 214-234): EGRECVNCGA[Met224Leu]STPLWRRDGT